The following is an entry in ClinVar:

NM_000426.4(LAMA2):c.533C>T (p.Thr178Met)

Gene: LAMA2 (laminin subunit alpha 2; plus strand). Cytogenetic location: 6q22.33.
Variant type: single nucleotide variant.
Coding change: c.533C>T on transcript NM_000426.4 (MANE Select); coding-DNA position 533, C replaced by T.
Protein change: p.Thr178Met; replaces threonine 178 with methionine.
Molecular consequence: missense variant.
Genome position (GRCh38, 1-based): chr6:129,098,309, C>T. VCF-style: chr6-129098309-C-T. GRCh37 (hg19) VCF-style: chr6-129419454-C-T.
Other names: c.533C>T, p.Thr178Met (NM_001079823.2); short protein forms T178M.
Identifiers: ClinVar variation 566283 (VCV000566283.20), dbSNP rs148665727, ClinGen allele CA3992359.

ClinVar aggregate classification (germline): Conflicting classifications of pathogenicity. Review status: criteria provided, conflicting classifications (1 of 4 stars). 5 submissions from 5 submitters: Uncertain significance (4); Likely benign (1). Last evaluated 2026-01-19.

Conditions:
LAMA2-related muscular dystrophy (LAMA2-RD). Also called: Laminin alpha 2-related dystrophy. Identifiers: MedGen C5679788, MONDO:0100228.

Allele frequency attached by ClinVar (database versions not stated): gnomAD exomes 0.00007 and 0.00009; ESP Exome Variant Server 0.00008; ExAC 0.00010; gnomAD 0.00011; TOPMed 0.00012; 1000 Genomes Project 0.00040; 1000 Genomes Project 30x 0.00047.
gnomAD v4.1: 119 of 1,614,050 alleles (0.0074%); highest among the groups gnomAD compares: African/African-American, 0.027%; no homozygotes.

Submissions (5):

Labcorp Genetics (formerly Invitae), Labcorp
Classification: Likely benign for LAMA2-related muscular dystrophy. Last evaluated: 2026-01-19. Review status: criteria provided, single submitter. Criteria: Invitae Variant Classification Sherloc (09022015). Collection method: clinical testing. Allele origin: germline.

GeneDx
Classification: Uncertain significance. Last evaluated: 2025-09-13. Review status: criteria provided, single submitter. Criteria: GeneDx Variant Classification Process June 2021. Collection method: clinical testing. Allele origin: germline. Affected: yes.
Comment: In silico analysis supports that this missense variant has a deleterious effect on protein structure/function; Has not been previously published as pathogenic or benign to our knowledge; This variant is associated with the following publications: (PMID: 30055037)

Blueprint Genetics
Classification: Uncertain significance. Last evaluated: 2023-12-12. Review status: criteria provided, single submitter. Criteria: ACMG Guidelines, 2015. Collection method: clinical testing. Allele origin: germline.

Greenwood Genetic Center Diagnostic Laboratories, Greenwood Genetic Center
Classification: Uncertain significance. Last evaluated: 2021-02-01. Review status: criteria provided, single submitter. Criteria: ACMG Guidelines, 2015. Collection method: clinical testing. Allele origin: germline. Affected: yes.
Comment: PP3, PM2

Revvity Omics, Revvity
Classification: Uncertain significance. Last evaluated: 2020-12-14. Review status: criteria provided, single submitter. Criteria: ACMG Guidelines, 2015. Collection method: clinical testing. Allele origin: germline.